The following is an entry in ClinVar:

NM_177438.3(DICER1):c.4773C>T (p.Leu1591=)

Gene: DICER1 (dicer 1, ribonuclease III; minus strand). Cytogenetic location: 14q32.13.
Variant type: single nucleotide variant.
Coding change: c.4773C>T on transcript NM_177438.3 (MANE Select); coding-DNA position 4773, C replaced by T.
Protein change: p.Leu1591=; no amino-acid change (leucine 1591 retained).
Molecular consequence: synonymous variant.
Genome position (GRCh38, 1-based): chr14:95,096,147, G>A on the plus strand (C>T on the coding strand, the complement: DICER1 is on the minus strand). VCF-style: chr14-95096147-G-A. GRCh37 (hg19) VCF-style: chr14-95562484-G-A.
Other names: c.4773C>T, p.Leu1591= (NM_001195573.1, NM_001271282.3, NM_001291628.2 and 1 more transcripts).
Identifiers: ClinVar variation 220667 (VCV000220667.22), dbSNP rs138308365, ClinGen allele CA350712.
Genomic context (GRCh38, chr14:95,096,147, plus strand): 5'-GTTGAAATTCTCCCGAGTAGGGCACAGGGCCTTTTCCCGATCAGTCCTTTTAATTACCGG[G>A]AGCACCTTCAGCCCCAGTGAACAGAGGAAAAGCTGAGCAGCCCTCTCCCCACAGCTGGTT-3'
Protein context (NP_803187.1, residues 1581-1601): LFLCSLGLKV[Leu1591=]PVIKRTDREK

ClinVar aggregate classification (germline): Conflicting classifications of pathogenicity. Review status: criteria provided, conflicting classifications (1 of 4 stars). 8 submissions from 8 submitters: Uncertain significance (1); Benign (2); Likely benign (4). 1 of the submissions does not count toward it. Last evaluated 2026-04-20.

Conditions:
DICER1-related disorder. Also called: DICER1-related condition.
DICER1-related tumor predisposition. Also called: DICER1-related pleuropulmonary blastoma cancer predisposition syndrome; DICER1 syndrome. Identifiers: Orphanet 284343, MedGen C3839822, MONDO:0100216.
Hereditary cancer-predisposing syndrome. Also called: Tumor predisposition; Hereditary neoplastic syndrome; Neoplastic Syndromes, Hereditary; Hereditary Cancer Syndrome. Identifiers: Orphanet 140162, MedGen C0027672, MeSH D009386, MONDO:0015356.

Allele frequency attached by ClinVar (database versions not stated): ESP Exome Variant Server 0.00023; 1000 Genomes Project 0.00020; 1000 Genomes Project 30x 0.00016; TOPMed 0.00024; gnomAD 0.00021.
gnomAD v4.1: 71 of 1,614,144 alleles (0.0044%); highest among the groups gnomAD compares: African/African-American, 0.076%; no homozygotes.

Submissions (8):

Myriad Genetics, Inc.
Classification: Benign for DICER1-related tumor predisposition. Last evaluated: 2026-04-20. Review status: criteria provided, single submitter. Criteria: Myriad Autosomal Dominant, Autosomal Recessive and X-Linked Classification Criteria (2023). Collection method: clinical testing. Allele origin: unknown.
Comment: This variant is considered benign. This variant is a silent/synonymous amino acid change and it is not expected to impact splicing.

Labcorp Genetics (formerly Invitae), Labcorp
Classification: Benign for DICER1-related tumor predisposition. Last evaluated: 2026-01-25. Review status: criteria provided, single submitter. Criteria: Invitae Variant Classification Sherloc (09022015). Collection method: clinical testing. Allele origin: germline.

Hereditary Cancer Group, L’Institut d'Investigació Biomèdica de Bellvitge
Classification: Likely benign for Hereditary cancer-predisposing syndrome. Last evaluated: 2024-12-19. Review status: criteria provided, single submitter. Criteria: Hatton et al. (Hum Mutat. 2023). Collection method: clinical testing. Allele origin: germline. Inheritance: Autosomal dominant inheritance. Affected: yes.
Comment: BS1, BP4

Quest Diagnostics Nichols Institute San Juan Capistrano
Classification: Likely benign. Last evaluated: 2023-07-04. Review status: criteria provided, single submitter. Criteria: Quest Diagnostics criteria. Collection method: clinical testing. Allele origin: unknown.

Sema4
Classification: Uncertain significance for Hereditary cancer-predisposing syndrome. Last evaluated: 2021-12-23. Review status: criteria provided, single submitter. Criteria: Sema4 Curation Guidelines. Collection method: curation. Allele origin: germline.
Comment: The DICER1 c.4773C>T (p.L1591=) variant has not been reported in the literature to our knowledge. It was observed in 13/24962 chromosomes of the African/African American subpopulation, with no homozygotes, in the large and broad cohorts of the Genome Aggregation Database. The variant has been reported in ClinVar (Variation ID 220667). In silico tools suggest that the variant may create or strengthen a cryptic donor splice site, though these predictions have not been confirmed by functional studies. The evidence is insufficient to meet ACMG/AMP criteria for classifying the variant as benign or pathogenic. Thus, the clinical significance of this variant is currently uncertain.

GeneDx
Classification: Likely benign. Last evaluated: 2017-11-14. Review status: criteria provided, single submitter. Criteria: GeneDx Variant Classification (06012015). Collection method: clinical testing. Allele origin: germline. Affected: yes.
Comment: This variant is considered likely benign or benign based on one or more of the following criteria: it is a conservative change, it occurs at a poorly conserved position in the protein, it is predicted to be benign by multiple in silico algorithms, and/or has population frequency not consistent with disease.

Ambry Genetics
Classification: Likely benign for Hereditary cancer-predisposing syndrome. Last evaluated: 2017-08-16. Review status: criteria provided, single submitter. Criteria: Ambry Variant Classification Scheme 2023. Collection method: clinical testing. Allele origin: germline.

PreventionGenetics, part of Exact Sciences
Classification: Likely benign for DICER1-related condition. Last evaluated: 2020-05-21. Review status: no assertion criteria provided. Collection method: clinical testing. Allele origin: germline. Not counted in ClinVar's aggregate classification.
Comment: This variant is classified as likely benign based on ACMG/AMP sequence variant interpretation guidelines (Richards et al. 2015 PMID: 25741868, with internal and published modifications).